The following is an entry in ClinVar:

NM_015910.7(WDPCP):c.256C>T (p.Arg86Ter)

Gene: WDPCP (WD repeat containing planar cell polarity effector; minus strand). Cytogenetic location: 2p15.
Variant type: single nucleotide variant.
Coding change: c.256C>T on transcript NM_015910.7 (MANE Select); coding-DNA position 256, C replaced by T.
Protein change: p.Arg86Ter; replaces arginine 86 with a stop codon.
Molecular consequence: nonsense. On other transcripts: non-coding transcript variant (2).
Genome position (GRCh38, 1-based): chr2:63,484,985, G>A on the plus strand (C>T on the coding strand, the complement: WDPCP is on the minus strand). VCF-style: chr2-63484985-G-A. GRCh37 (hg19) VCF-style: chr2-63712119-G-A.
Other names: c.184C>T, p.Arg62Ter (NM_001354044.2); c.256C>T, p.Arg86Ter (NM_001354045.2); short protein forms R62*, R86*.
Identifiers: ClinVar variation 3767117 (VCV003767117.3).
Genomic context (GRCh38, chr2:63,484,985, plus strand): 5'-CTTTGAGCGAGTCTCGGAGTTTTTCTGGGCGTCTGTTTTTGAGCGTCCAAGGATAATCTC[G>A]TGCTGGCAAATAAAACATGTACTACAGTTAGTTAAACAAGATTTAAAAAGGAAATTCTGC-3'

ClinVar aggregate classification (germline): Likely pathogenic. Review status: criteria provided, multiple submitters, no conflicts (2 of 4 stars). 2 submissions from 2 submitters: Likely pathogenic (2). Last evaluated 2023-04-13.

Conditions:
WDPCP-related disorder. Also called: WDPCP-related condition.
Bardet-Biedl syndrome 15 (BBS15). Identifiers: Orphanet 110, MedGen C3150127, MONDO:0014443, OMIM 615992.
Heart defect - tongue hamartoma - polysyndactyly syndrome. Also called: Congenital heart defects, hamartomas of tongue, and polysyndactyly. Identifiers: Orphanet 1338, MedGen C1857587, MONDO:0009008, OMIM 217085.

Submissions (2):

Blueprint Genetics
Classification: Likely pathogenic for WDPCP-related disorders. Last evaluated: 2023-04-13. Review status: criteria provided, single submitter. Criteria: ACMG Guidelines, 2015. Collection method: clinical testing. Allele origin: germline. Affected: yes. Observed: 2 variant alleles.

Juno Genomics, Hangzhou Juno Genomics, Inc
Classification: Likely pathogenic for Bardet-Biedl syndrome 15; Heart defect - tongue hamartoma - polysyndactyly syndrome. Review status: criteria provided, single submitter. Criteria: ACMG Guidelines, 2015. Collection method: clinical testing. Allele origin: germline. Affected: yes.
Comment: Absent from controls (or at extremely low frequency if recessive) in Genome Aggregation Database, Exome Sequencing Project, 1000 Genomes Project, or Exome Aggregation Consortium.;Null variant in a gene where loss of function (LOF) is a known mechanism of disease.